The following is an entry in ClinVar:

NM_014615.5(GSE1):c.171C>T (p.Ser57=)

Gene: GSE1 (Gse1 coiled-coil protein; plus strand). Cytogenetic location: 16q24.1.
Variant type: single nucleotide variant.
Coding change: c.171C>T on transcript NM_014615.5 (MANE Select); coding-DNA position 171, C replaced by T.
Protein change: p.Ser57=; no amino-acid change (serine 57 retained).
Molecular consequence: synonymous variant. On other transcripts: intron variant (2).
Genome position (GRCh38, 1-based): chr16:85,634,077, C>T. VCF-style: chr16-85634077-C-T. GRCh37 (hg19) VCF-style: chr16-85667683-C-T.
Other names: c.-86-14475C>T (NM_001134473.3); c.8-14475C>T (NM_001278184.3).
Identifiers: ClinVar variation 2646933 (VCV002646933.24), dbSNP rs200168352, ClinGen allele CA8213965.
Genomic context (GRCh38, chr16:85,634,077, plus strand): 5'-CCTGGTGCCCAGCGGCAGCCCCGCCACCAGCAGCGCGCTGTCGGCCCAGGCCGCGCCATC[C>T]TCCAGCTTTGCCGCCGCGCTGCGCAAGCTCGCCAAACAGGCGGAGGAGCCCAGAGGTAAG-3'
Protein context (NP_055430.1, residues 47-67): SSALSAQAAP[Ser57=]SSFAAALRKL

ClinVar aggregate classification (germline): Likely benign (1 of 4 stars; one submission).

Allele frequency attached by ClinVar (database versions not stated): 1000 Genomes Project 0.00399; TOPMed 0.00713; ExAC 0.00784; ESP Exome Variant Server 0.00803; gnomAD exomes 0.00811; 1000 Genomes Project 30x 0.00437; gnomAD 0.00676.
gnomAD v4.1: 12,875 of 1,603,042 alleles (0.8%); highest among the groups gnomAD compares: Non-Finnish European, 0.87%; 77 homozygotes.

Submission:

CeGaT Center for Human Genetics Tuebingen
Classification: Likely benign. Last evaluated: 2023-03-01. Review status: criteria provided, single submitter. Criteria: CeGaT Center For Human Genetics Tuebingen Variant Classification Criteria Version 2. Collection method: clinical testing. Allele origin: germline. Affected: yes. Observed: 3 variant alleles.
Comment: GSE1: BP4, BP7, BS2